The following is an entry in ClinVar:

ClinVar aggregate classification (germline): Uncertain significance. Review status: criteria provided, multiple submitters, no conflicts (2 of 4 stars). 3 submissions from 3 submitters: Uncertain significance (3). Last evaluated 2025-04-07.

Conditions:
Familial hemiplegic migraine. Identifiers: MedGen C0338484, MONDO:0000700.

Allele frequency attached by ClinVar (database versions not stated): gnomAD exomes 0.00001; ExAC 0.00002; gnomAD 0.00002 and 0.00003; TOPMed 0.00002.
gnomAD v4.1: 20 of 1,614,064 alleles (0.0012%); highest among the groups gnomAD compares: African/African-American, 0.0027%; no homozygotes.

Submissions (3):

Labcorp Genetics (formerly Invitae), Labcorp
Classification: Uncertain significance for Familial hemiplegic migraine. Last evaluated: 2025-04-07. Review status: criteria provided, single submitter. Criteria: Invitae Variant Classification Sherloc (09022015). Collection method: clinical testing. Allele origin: germline.
Comment: This sequence change replaces isoleucine, which is neutral and non-polar, with valine, which is neutral and non-polar, at codon 631 of the ATP1A2 protein (p.Ile631Val). This variant is present in population databases (rs201977531, gnomAD 0.01%). This variant has not been reported in the literature in individuals affected with ATP1A2-related conditions. ClinVar contains an entry for this variant (Variation ID: 204893). Invitae Evidence Modeling of protein sequence and biophysical properties (such as structural, functional, and spatial information, amino acid conservation, physicochemical variation, residue mobility, and thermodynamic stability) indicates that this missense variant is not expected to disrupt ATP1A2 protein function with a negative predictive value of 80%. In summary, the available evidence is currently insufficient to determine the role of this variant in disease. Therefore, it has been classified as a Variant of Uncertain Significance.

GeneDx
Classification: Uncertain significance. Last evaluated: 2020-01-14. Review status: criteria provided, single submitter. Criteria: GeneDx Variant Classification Process June 2021. Collection method: clinical testing. Allele origin: germline. Affected: yes.
Comment: In silico analysis, which includes protein predictors and evolutionary conservation, supports that this variant does not alter protein structure/function; Has not been previously published as pathogenic or benign to our knowledge

Athena Diagnostics
Classification: Uncertain significance. Last evaluated: 2018-04-18. Review status: criteria provided, single submitter. Criteria: Athena Diagnostics Criteria. Collection method: clinical testing. Allele origin: germline.

NM_000702.4(ATP1A2):c.1891A>G (p.Ile631Val)

Gene: ATP1A2 (ATPase Na+/K+ transporting subunit alpha 2; plus strand). Cytogenetic location: 1q23.2.
Variant type: single nucleotide variant.
Coding change: c.1891A>G on transcript NM_000702.4 (MANE Select); coding-DNA position 1891, A replaced by G.
Protein change: p.Ile631Val; replaces isoleucine 631 with valine.
Molecular consequence: missense variant.
Genome position (GRCh38, 1-based): chr1:160,134,547, A>G. VCF-style: chr1-160134547-A-G. GRCh37 (hg19) VCF-style: chr1-160104337-A-G.
Other names: p.I631V:ATA>GTA; short protein forms I631V.
Identifiers: ClinVar variation 204893 (VCV000204893.13), dbSNP rs201977531, ClinGen allele CA313298.